The following is an entry in ClinVar:

ClinVar aggregate classification (germline): Pathogenic (1 of 4 stars; one submission).

Conditions:
5-Oxoprolinase deficiency (OPLAHD). Also called: 5-OXOPROLINURIA DUE TO 5-OXOPROLINASE DEFICIENCY. Identifiers: Orphanet 33572, MedGen C0268525, MONDO:0009825, OMIM 260005, HP:0040142.

Submission:

Labcorp Genetics (formerly Invitae), Labcorp
Classification: Pathogenic for 5-Oxoprolinase deficiency. Last evaluated: 2023-03-27. Review status: criteria provided, single submitter. Criteria: Invitae Variant Classification Sherloc (09022015). Collection method: clinical testing. Allele origin: germline.
Comment: For these reasons, this variant has been classified as Pathogenic. This variant has not been reported in the literature in individuals affected with OPLAH-related conditions. This variant is not present in population databases (gnomAD no frequency). This sequence change creates a premature translational stop signal (p.Leu551Argfs*39) in the OPLAH gene. It is expected to result in an absent or disrupted protein product. Loss-of-function variants in OPLAH are known to be pathogenic (PMID: 21651516, 27477828).

Literature cited by the submitters: PubMed 21651516; PubMed 27477828.

NM_017570.5(OPLAH):c.1652del (p.Leu551fs)

Gene: OPLAH (5-oxoprolinase, ATP-hydrolysing; minus strand). Cytogenetic location: 8q24.3.
Variant type: Deletion.
Coding change: c.1652del on transcript NM_017570.5 (MANE Select); coding-DNA position 1652, one base deleted (T; older notation c.1652delT).
Protein change: p.Leu551fs; shifts the reading frame from leucine 551.
Molecular consequence: frameshift variant.
Genome position (GRCh38, 1-based): chr8:144,057,002, A deleted on the plus strand (T on the coding strand, the reverse complement: OPLAH is on the minus strand). VCF-style (leftmost placement, unchanged base first): chr8-144057001-CA-C. GRCh37 (hg19) VCF-style: chr8-145111904-CA-C.
Other names: short protein forms L551fs.
Identifiers: ClinVar variation 2835035 (VCV002835035.3), dbSNP rs2540262850, ClinGen allele CA2739269034.